The following is an entry in ClinVar:

NM_000492.4(CFTR):c.2264T>C (p.Ile755Thr)

Gene: CFTR (CF transmembrane conductance regulator; plus strand). Cytogenetic location: 7q31.2.
Variant type: single nucleotide variant.
Coding change: c.2264T>C on transcript NM_000492.4 (MANE Select); coding-DNA position 2264, T replaced by C.
Protein change: p.Ile755Thr; replaces isoleucine 755 with threonine.
Molecular consequence: missense variant.
Genome position (GRCh38, 1-based): chr7:117,592,431, T>C. VCF-style: chr7-117592431-T-C. GRCh37 (hg19) VCF-style: chr7-117232485-T-C.
Other names: short protein forms I755T.
Identifiers: ClinVar variation 4227436 (VCV004227436.1).

ClinVar aggregate classification (germline): Uncertain significance (1 of 4 stars; one submission).

Conditions:
Cystic fibrosis (CF). Also called: MUCOVISCIDOSIS. Identifiers: Orphanet 586, MedGen C0010674, MONDO:0009061, OMIM 219700. Disease mechanism: loss of function.

Submission:

Ambry Genetics
Classification: Uncertain significance for Cystic fibrosis. Last evaluated: 2025-08-20. Review status: criteria provided, single submitter. Criteria: Ambry Variant Classification Scheme 2023. Collection method: clinical testing. Allele origin: germline.
Comment: The p.I755T variant (also known as c.2264T>C), located in coding exon 14 of the CFTR gene, results from a T to C substitution at nucleotide position 2264. The isoleucine at codon 755 is replaced by threonine, an amino acid with similar properties. This amino acid position is conserved. In addition, the in silico prediction for this alteration is inconclusive. Based on the available evidence, the clinical significance of this variant remains unclear.